The following is an entry in ClinVar:

NM_001271.4(CHD2):c.3096A>C (p.Glu1032Asp)

Gene: CHD2 (chromodomain helicase DNA binding protein 2; plus strand). Cytogenetic location: 15q26.1.
Variant type: single nucleotide variant.
Coding change: c.3096A>C on transcript NM_001271.4 (MANE Select); coding-DNA position 3096, A replaced by C.
Protein change: p.Glu1032Asp; replaces glutamic acid 1032 with aspartic acid.
Molecular consequence: missense variant.
Genome position (GRCh38, 1-based): chr15:92,984,359, A>C. VCF-style: chr15-92984359-A-C. GRCh37 (hg19) VCF-style: chr15-93527589-A-C.
Other names: short protein forms E1032D.
Identifiers: ClinVar variation 2861008 (VCV002861008.3), dbSNP rs2505558847, ClinGen allele CA393895122.

ClinVar aggregate classification (germline): Uncertain significance (1 of 4 stars; one submission).

Conditions:
Developmental and epileptic encephalopathy 94 (DEE94). Also called: CHD2-Related Neurodevelopmental Disorders; Epileptic encephalopathy, childhood-onset. Identifiers: Orphanet 1942, Orphanet 2382, MedGen C3809278, MONDO:0014150, OMIM 615369.

Submission:

Labcorp Genetics (formerly Invitae), Labcorp
Classification: Uncertain significance for Developmental and epileptic encephalopathy 94. Last evaluated: 2023-05-01. Review status: criteria provided, single submitter. Criteria: Invitae Variant Classification Sherloc (09022015). Collection method: clinical testing. Allele origin: germline.
Comment: In summary, the available evidence is currently insufficient to determine the role of this variant in disease. Therefore, it has been classified as a Variant of Uncertain Significance. Advanced modeling of protein sequence and biophysical properties (such as structural, functional, and spatial information, amino acid conservation, physicochemical variation, residue mobility, and thermodynamic stability) performed at Invitae indicates that this missense variant is not expected to disrupt CHD2 protein function. This variant has not been reported in the literature in individuals affected with CHD2-related conditions. This variant is not present in population databases (gnomAD no frequency). This sequence change replaces glutamic acid, which is acidic and polar, with aspartic acid, which is acidic and polar, at codon 1032 of the CHD2 protein (p.Glu1032Asp).